The following is an entry in ClinVar:

ClinVar aggregate classification (germline): Uncertain significance. Review status: criteria provided, multiple submitters, no conflicts (2 of 4 stars). 2 submissions from 2 submitters: Uncertain significance (2). Last evaluated 2024-11-20.

Conditions:
Dyskeratosis congenita, autosomal recessive 5 (DKCB5). Identifiers: MedGen C3554656, MONDO:0014076, OMIM 615190.
Pulmonary fibrosis and/or bone marrow failure, Telomere-related, 3. Also called: PULMONARY FIBROSIS AND/OR BONE MARROW FAILURE SYNDROME, TELOMERE-RELATED, 3. Identifiers: Orphanet 2032, MedGen C4225346, MONDO:0014613, OMIM 616373.
Inborn genetic diseases. Identifiers: MedGen C0950123, MeSH D030342.

gnomAD v4.1: 12 of 1,591,532 alleles (0.00075%); highest among the groups gnomAD compares: Admixed American, 0.0053%; no homozygotes.

Submissions (2):

Ambry Genetics
Classification: Uncertain significance for Inborn genetic diseases. Last evaluated: 2024-11-20. Review status: criteria provided, single submitter. Criteria: Ambry Variant Classification Scheme 2023. Collection method: clinical testing. Allele origin: germline.
Comment: The p.A1275V variant (also known as c.3824C>T), located in coding exon 34 of the RTEL1 gene, results from a C to T substitution at nucleotide position 3824. The alanine at codon 1275 is replaced by valine, an amino acid with similar properties. This amino acid position is conserved. In addition, this alteration is predicted to be tolerated by in silico analysis. Based on the available evidence, the clinical significance of this variant remains unclear.

Labcorp Genetics (formerly Invitae), Labcorp
Classification: Uncertain significance for Dyskeratosis congenita, autosomal recessive 5; Pulmonary fibrosis and/or bone marrow failure, Telomere-related, 3. Last evaluated: 2024-10-24. Review status: criteria provided, single submitter. Criteria: Invitae Variant Classification Sherloc (09022015). Collection method: clinical testing. Allele origin: germline.
Comment: This sequence change replaces alanine, which is neutral and non-polar, with valine, which is neutral and non-polar, at codon 1275 of the RTEL1 protein (p.Ala1275Val). This variant is present in population databases (no rsID available, gnomAD 0.01%). This variant has not been reported in the literature in individuals affected with RTEL1-related conditions. An algorithm developed to predict the effect of missense changes on protein structure and function (PolyPhen-2) suggests that this variant is likely to be tolerated. In summary, the available evidence is currently insufficient to determine the role of this variant in disease. Therefore, it has been classified as a Variant of Uncertain Significance.

NM_001283009.2(RTEL1):c.3824C>T (p.Ala1275Val)

Genes: RTEL1 (regulator of telomere elongation helicase 1; plus strand), RTEL1-TNFRSF6B (RTEL1-TNFRSF6B readthrough (NMD candidate); plus strand). Cytogenetic location: 20q13.33.
Variant type: single nucleotide variant.
Coding change: c.3824C>T on transcript NM_001283009.2 (MANE Select); coding-DNA position 3824, C replaced by T.
Protein change: p.Ala1275Val; replaces alanine 1275 with valine.
Molecular consequence: missense variant. On other transcripts: non-coding transcript variant (1), synonymous variant (3).
Genome position (GRCh38, 1-based): chr20:63,695,779, C>T. VCF-style: chr20-63695779-C-T. GRCh37 (hg19) VCF-style: chr20-62327132-C-T.
Other names: c.2985C>T, p.Gly995= (NM_001283010.1); c.3654C>T, p.Gly1218= (NM_016434.4); c.3726C>T, p.Gly1242= (NM_032957.5); short protein forms A1275V.
Identifiers: ClinVar variation 3435943 (VCV003435943.3).